The following is an entry in ClinVar:

ClinVar aggregate classification (germline): Likely benign (1 of 4 stars; one submission).

gnomAD v4.1: 4,513 of 1,614,006 alleles (0.28%); highest among the groups gnomAD compares: Middle Eastern, 0.36%; 10 homozygotes.

Submission:

Mayo Clinic Laboratories, Mayo Clinic
Classification: Likely benign. Last evaluated: 2025-04-29. Review status: criteria provided, single submitter. Criteria: ACMG Guidelines, 2015. Collection method: clinical testing. Allele origin: germline. Observed: 5 variant alleles.
Comment: BS2, BP5, PP3

Literature cited by the submitters: PubMed 28153381.

NM_001206671.4(RIC3):c.301C>T (p.Pro101Ser)

Gene: RIC3 (RIC3 acetylcholine receptor chaperone; minus strand). Cytogenetic location: 11p15.4.
Variant type: single nucleotide variant.
Coding change: c.301C>T on transcript NM_001206671.4 (MANE Select); coding-DNA position 301, C replaced by T.
Protein change: p.Pro101Ser; replaces proline 101 with serine.
Molecular consequence: missense variant. On other transcripts: 5 prime UTR variant (1), non-coding transcript variant (2), intron variant (1).
Genome position (GRCh38, 1-based): chr11:8,140,017, G>A on the plus strand (C>T on the coding strand, the complement: RIC3 is on the minus strand). VCF-style: chr11-8140017-G-A. GRCh37 (hg19) VCF-style: chr11-8161564-G-A.
Other names: p.Pro101Ser; c.301C>T, p.Pro101Ser (NM_001206672.4, NM_001346691.2, NM_024557.6); c.-319C>T (NM_001346690.2); c.154C>T, p.Pro52Ser (NM_001346692.2, NM_001346693.2, NM_001346694.2); c.124+28849C>T (NM_001135109.4); short protein forms P101S, P52S.
Identifiers: ClinVar variation 3380009 (VCV003380009.2).